The following is an entry in ClinVar:

NM_000176.3(NR3C1):c.1865G>A (p.Cys622Tyr)

Gene: NR3C1 (nuclear receptor subfamily 3 group C member 1; minus strand). Cytogenetic location: 5q31.3.
Variant type: single nucleotide variant.
Coding change: c.1865G>A on transcript NM_000176.3 (MANE Select); coding-DNA position 1865, G replaced by A.
Protein change: p.Cys622Tyr; replaces cysteine 622 with tyrosine.
Molecular consequence: missense variant. On other transcripts: non-coding transcript variant (1).
Genome position (GRCh38, 1-based): chr5:143,298,695, C>T on the plus strand (G>A on the coding strand, the complement: NR3C1 is on the minus strand). VCF-style: chr5-143298695-C-T. GRCh37 (hg19) VCF-style: chr5-142678260-C-T.
Other names: c.1865G>A, p.Cys622Tyr (NM_001018074.1, NM_001018075.1, NM_001018076.2 and 6 more transcripts); c.1868G>A, p.Cys623Tyr (NM_001024094.2, NM_001364183.2, NM_001364184.2 and 1 more transcripts); c.1787G>A, p.Cys596Tyr (NM_001204258.2); c.1610G>A, p.Cys537Tyr (NM_001204259.2); c.1598G>A, p.Cys533Tyr (NM_001204260.2); c.1574G>A, p.Cys525Tyr (NM_001204261.2); c.920G>A, p.Cys307Tyr (NM_001204262.2); c.875G>A, p.Cys292Tyr (NM_001204263.2); and 1 more; short protein forms C596Y, C292Y, C525Y, C533Y, C622Y, C287Y, C307Y, C537Y.
Identifiers: ClinVar variation 1902695 (VCV001902695.6), dbSNP rs1172094764, ClinGen allele CA361869517.

ClinVar aggregate classification (germline): Uncertain significance. Review status: criteria provided, multiple submitters, no conflicts (2 of 4 stars). 2 submissions from 2 submitters: Uncertain significance (2). Last evaluated 2024-11-18.

Allele frequency attached by ClinVar (database versions not stated): gnomAD 0.00001; TOPMed 0.00001.
gnomAD v4.1: 4 of 1,613,704 alleles (0.00025%); highest among the groups gnomAD compares: Non-Finnish European, 0.00034%; no homozygotes.

Submissions (2):

GeneDx
Classification: Uncertain significance. Last evaluated: 2024-11-18. Review status: criteria provided, single submitter. Criteria: GeneDx Variant Classification Process June 2021. Collection method: clinical testing. Allele origin: germline. Affected: yes.
Comment: Not observed at significant frequency in large population cohorts (gnomAD); In silico analysis supports that this missense variant has a deleterious effect on protein structure/function; Has not been previously published as pathogenic or benign to our knowledge

Labcorp Genetics (formerly Invitae), Labcorp
Classification: Uncertain significance. Last evaluated: 2022-08-03. Review status: criteria provided, single submitter. Criteria: Invitae Variant Classification Sherloc (09022015). Collection method: clinical testing. Allele origin: germline.
Comment: In summary, the available evidence is currently insufficient to determine the role of this variant in disease. Therefore, it has been classified as a Variant of Uncertain Significance. Algorithms developed to predict the effect of missense changes on protein structure and function (SIFT, PolyPhen-2, Align-GVGD) all suggest that this variant is likely to be tolerated. This variant has not been reported in the literature in individuals affected with NR3C1-related conditions. This variant is present in population databases (no rsID available, gnomAD 0.007%). This sequence change replaces cysteine, which is neutral and slightly polar, with tyrosine, which is neutral and polar, at codon 622 of the NR3C1 protein (p.Cys622Tyr).